The following is an entry in ClinVar:

NM_003900.5(SQSTM1):c.1273G>A (p.Gly425Arg)

Gene: SQSTM1 (sequestosome 1; plus strand). Cytogenetic location: 5q35.3.
Variant type: single nucleotide variant.
Coding change: c.1273G>A on transcript NM_003900.5 (MANE Select); coding-DNA position 1273, G replaced by A.
Protein change: p.Gly425Arg; replaces glycine 425 with arginine.
Molecular consequence: missense variant.
Genome position (GRCh38, 1-based): chr5:179,836,543, G>A. VCF-style: chr5-179836543-G-A. GRCh37 (hg19) VCF-style: chr5-179263543-G-A.
Other names: c.1021G>A, p.Gly341Arg (NM_001142298.2, NM_001142299.2); short protein forms G341R, G425R.
Identifiers: ClinVar variation 1163456 (VCV001163456.18), dbSNP rs757212984, ClinGen allele CA3600875.

ClinVar aggregate classification (germline): Conflicting classifications of pathogenicity. Review status: criteria provided, conflicting classifications (1 of 4 stars). 4 submissions from 4 submitters: Pathogenic (1); Likely pathogenic (2); Uncertain significance (1). Last evaluated 2026-09-24.

Conditions:
Paget disease of bone 2, early-onset (PDB2). Also called: Paget disease of bone 2. Identifiers: MedGen C4085251, MONDO:0011183, OMIM 602080.
Frontotemporal dementia and/or amyotrophic lateral sclerosis 1 (FTDALS1). Also called: Frontotemporal dementia with motor neuron disease 1; C9orf72 Frontotemporal Dementia and/or Amyotrophic Lateral Sclerosis. Identifiers: Orphanet 275872, MedGen C5779877, MONDO:0007105, OMIM 105550.
SQSTM1-related disorder. Also called: SQSTM1-Related Disorders.

Allele frequency attached by ClinVar (database versions not stated): gnomAD 0.00002; ExAC 0.00004; TOPMed 0.00004.
gnomAD v4.1: 51 of 1,614,038 alleles (0.0032%); highest among the groups gnomAD compares: Non-Finnish European, 0.0038%; no homozygotes.

Submissions (4):

PreventionGenetics, part of Exact Sciences
Classification: Likely pathogenic for SQSTM1-related condition. Last evaluated: 2026-09-24. Review status: criteria provided, single submitter. Criteria: ACMG Guidelines, 2015. Collection method: clinical testing. Allele origin: germline.
Comment: The SQSTM1 c.1273G>A variant is predicted to result in the amino acid substitution p.Gly425Arg. This variant has been reported and shown to co-segregate with incomplete and age-related penetrance in multiple individuals and families with autosomal dominant, late-onset Paget disease of bone (for example, see Eekhoff et al. 2004. PubMed ID: 15146436; Hocking et al. 2004. PubMed ID: 15176995; Falchetti et al. 2009. PubMed ID: 19067022). This variant has also been reported in an individual with non-familial amyotrophic lateral sclerosis (ALS) and parkinsonism (Fecto et al. 2011. PubMed ID: 22084127); however, evidence supporting pathogenicity was not provided. The p.Gly425Arg variant is located within the ubiquitin-associated (UBA) binding domain of the SQSTM1/p62 protein (Hocking et al. 2004. PubMed ID: 15176995), and in vitro studies have demonstrated that this variant results in a complete loss of ubiquitin monomer binding and significantly reduced binding of poly-ubiquitin chains (Cavey et al. 2005. PubMed ID: 15765181). Further studies using a luciferase reporter assay found that p.Gly425Arg variant led to upregulation of basal NF-κB signaling relative to wild type (Goode et al. 2014. PubMed ID: 24642144). This variant is reported in 0.0062% of alleles in individuals of European (non-Finnish) descent in gnomAD. An alternate missense change of the same amino acid (p.Gly425Glu) has also been reported in an individual with Paget disease of bone (Falchetti et al. 2009. PubMed ID: 19067022). Taken together, the p.Gly425Arg variant is classified as pathogenic for autosomal dominant Paget disease of bone but is considered a variant of uncertain significance for SQSTM1-related ALS/FTD susceptibility.

Labcorp Genetics (formerly Invitae), Labcorp
Classification: Pathogenic for Paget disease of bone 2, early-onset; Frontotemporal dementia and/or amyotrophic lateral sclerosis 1. Last evaluated: 2025-06-02. Review status: criteria provided, single submitter. Criteria: Invitae Variant Classification Sherloc (09022015). Collection method: clinical testing. Allele origin: germline.
Comment: This sequence change replaces glycine, which is neutral and non-polar, with arginine, which is basic and polar, at codon 425 of the SQSTM1 protein (p.Gly425Arg). This variant is present in population databases (rs757212984, gnomAD 0.007%). This missense change has been observed in individuals with autosomal dominant Paget disease of bone (PMID: 15125799, 15146436, 15176995, 17229007). It has also been observed to segregate with disease in related individuals. ClinVar contains an entry for this variant (Variation ID: 1163456). Invitae Evidence Modeling of protein sequence and biophysical properties (such as structural, functional, and spatial information, amino acid conservation, physicochemical variation, residue mobility, and thermodynamic stability) indicates that this missense variant is expected to disrupt SQSTM1 protein function with a positive predictive value of 80%. Experimental studies have shown that this missense change affects SQSTM1 function (PMID: 15765181). For these reasons, this variant has been classified as Pathogenic.

GeneDx
Classification: Uncertain significance. Last evaluated: 2022-01-06. Review status: criteria provided, single submitter. Criteria: GeneDx Variant Classification Process June 2021. Collection method: clinical testing. Allele origin: germline. Affected: yes.
Comment: Published functional studies demonstrate that p.(G425R) results in impaired effects on binding of ubiquitin (Goode et al., 2016; Cavey et al., 2006); Previously identified in individual with sporadic ALS and in control individuals (Visconti et al., 2010; Rea et al., 2014; Fetco et al., 2011); Reported previously in association with Paget's disease of the bone (Hocking et al., 2004; Eekhoff et al., 2004; Goode et al., 2014); In silico analysis supports that this missense variant has a deleterious effect on protein structure/function; This variant is associated with the following publications: (PMID: 15125799, 15493999, 15765181, 24642144, 27158844, 24899140, 20499339, 22084127, 33665744, 15146436, 16691492, 24486447, 15176995)

Mayo Clinic Laboratories, Mayo Clinic
Classification: Likely pathogenic. Last evaluated: 2020-11-03. Review status: criteria provided, single submitter. Criteria: ACMG Guidelines, 2015. Collection method: clinical testing. Allele origin: germline. Observed: 1 variant allele.
Comment: PS3, PS4_moderate, PM1, PP3

Literature cited by the submitters: PubMed 15125799 (cited by Labcorp Genetics (formerly Invitae), Labcorp and Mayo Clinic Laboratories, Mayo Clinic); PubMed 15146436 (cited by Labcorp Genetics (formerly Invitae), Labcorp and Mayo Clinic Laboratories, Mayo Clinic); PubMed 15176995 (cited by Labcorp Genetics (formerly Invitae), Labcorp and Mayo Clinic Laboratories, Mayo Clinic); PubMed 17229007 (cited by Labcorp Genetics (formerly Invitae), Labcorp); PubMed 15765181 (cited by Labcorp Genetics (formerly Invitae), Labcorp and Mayo Clinic Laboratories, Mayo Clinic); PubMed 15493999 (cited by Mayo Clinic Laboratories, Mayo Clinic); PubMed 16691492 (cited by Mayo Clinic Laboratories, Mayo Clinic); PubMed 27158844 (cited by Mayo Clinic Laboratories, Mayo Clinic); PubMed 24642144 (cited by Mayo Clinic Laboratories, Mayo Clinic); PubMed 19049332 (cited by Mayo Clinic Laboratories, Mayo Clinic); PubMed 17129171 (cited by Mayo Clinic Laboratories, Mayo Clinic); PubMed 22972638 (cited by Mayo Clinic Laboratories, Mayo Clinic); PubMed 22084127 (cited by Mayo Clinic Laboratories, Mayo Clinic).